The following is an entry in ClinVar:

NM_001374736.1(DST):c.13127G>A (p.Gly4376Asp)

Gene: DST (dystonin; minus strand). Cytogenetic location: 6p12.1.
Variant type: single nucleotide variant.
Coding change: c.13127G>A on transcript NM_001374736.1 (MANE Select); coding-DNA position 13127, G replaced by A.
Protein change: p.Gly4376Asp; replaces glycine 4376 with aspartic acid.
Molecular consequence: missense variant.
Genome position (GRCh38, 1-based): chr6:56,573,788, C>T on the plus strand (G>A on the coding strand, the complement: DST is on the minus strand). VCF-style: chr6-56573788-C-T. GRCh37 (hg19) VCF-style: chr6-56438586-C-T.
Other names: c.6770G>A, p.Gly2257Asp (NM_001144769.5); c.6356G>A, p.Gly2119Asp (NM_001144770.2); c.13127G>A, p.Gly4376Asp (NM_001374722.1); c.12494G>A, p.Gly4165Asp (NM_001374729.1); c.6236G>A, p.Gly2079Asp (NM_001374730.1, NM_183380.4); c.13154G>A, p.Gly4385Asp (NM_001374734.1); c.5258G>A, p.Gly1753Asp (NM_015548.5); short protein forms G2257D, G2079D, G4385D, G1753D, G2119D, G4165D, G4376D.
Identifiers: ClinVar variation 970595 (VCV000970595.10), dbSNP rs2097817551, ClinGen allele CA364528035.
Genomic context (GRCh38, chr6:56,573,788, plus strand): 5'-TGACCTTGTTCTTTCAGAGAACTTTCCACATTTCCCATCCAGTCCAGCATTTCATCCAAG[C>T]CATCCTGCACACTCAGTGAACGGGTCAAGGTTATCTGGAGTTTTTCATTTCGTTCATTAA-3'
Protein context (NP_001361665.1, residues 4366-4386): TLTRSLSVQD[Gly4376Asp]LDEMLDWMGN

ClinVar aggregate classification (germline): Uncertain significance (1 of 4 stars; one submission).

Conditions:
Epidermolysis bullosa simplex 3, localized or generalized intermediate, with BP230 deficiency (EBS3). Also called: Epidermolysis bullosa simplex, autosomal recessive 2; Epidermolysis bullosa simplex due to BP230 deficiency. Identifiers: Orphanet 412181, MedGen C3809470, MONDO:0014180, OMIM 615425.
Hereditary sensory and autonomic neuropathy type 6. Also called: Neuropathy, hereditary sensory and autonomic, type VI; HSAN VI. Identifiers: Orphanet 314381, MedGen C3539003, MONDO:0013839, OMIM 614653.

Submission:

Labcorp Genetics (formerly Invitae), Labcorp
Classification: Uncertain significance for Epidermolysis bullosa simplex 3, localized or generalized intermediate, with BP230 deficiency; Hereditary sensory and autonomic neuropathy type 6. Last evaluated: 2022-08-15. Review status: criteria provided, single submitter. Criteria: Invitae Variant Classification Sherloc (09022015). Collection method: clinical testing. Allele origin: germline.
Comment: In summary, the available evidence is currently insufficient to determine the role of this variant in disease. Therefore, it has been classified as a Variant of Uncertain Significance. Experimental studies and prediction algorithms are not available or were not evaluated, and the functional significance of this variant is currently unknown. This variant has not been reported in the literature in individuals affected with DST-related conditions. This variant is not present in population databases (gnomAD no frequency). This sequence change replaces glycine, which is neutral and non-polar, with aspartic acid, which is acidic and polar, at codon 1753 of the DST protein (p.Gly1753Asp). The DST gene has multiple clinically relevant transcripts. This variant occurs in alternate transcript NM_015548.4, and corresponds to c.*41729G>A in NM_001723.5 in the primary transcript.